The following is an entry in ClinVar:

ClinVar aggregate classification (germline): Uncertain significance. Review status: criteria provided, multiple submitters, no conflicts (2 of 4 stars). 2 submissions from 2 submitters: Uncertain significance (2). Last evaluated 2025-11-18.

Conditions:
Congenital disorder of glycosylation, type Iaa. Also called: Congenital disorder of glycosylation, type 1aa. Identifiers: MedGen C4310727, MONDO:0014904, OMIM 617082.
Inborn genetic diseases. Identifiers: MedGen C0950123, MeSH D030342.

Allele frequency attached by ClinVar (database versions not stated): TOPMed 0.00002.

Submissions (2):

Labcorp Genetics (formerly Invitae), Labcorp
Classification: Uncertain significance for Congenital disorder of glycosylation, type Iaa. Last evaluated: 2025-11-18. Review status: criteria provided, single submitter. Criteria: Invitae Variant Classification Sherloc (09022015). Collection method: clinical testing. Allele origin: germline.
Comment: This sequence change replaces alanine, which is neutral and non-polar, with valine, which is neutral and non-polar, at codon 79 of the NUS1 protein (p.Ala79Val). This variant is present in population databases (no rsID available, gnomAD 0.02%). This variant has not been reported in the literature in individuals affected with NUS1-related conditions. ClinVar contains an entry for this variant (Variation ID: 2896247). An algorithm developed to predict the effect of missense changes on protein structure and function outputs the following: PolyPhen-2: "Benign". The valine amino acid residue is found in multiple mammalian species, which suggests that this missense change does not adversely affect protein function. In summary, the available evidence is currently insufficient to determine the role of this variant in disease. Therefore, it has been classified as a Variant of Uncertain Significance.

Ambry Genetics
Classification: Uncertain significance for Inborn genetic diseases. Last evaluated: 2025-02-27. Review status: criteria provided, single submitter. Criteria: Ambry Variant Classification Scheme 2023. Collection method: clinical testing. Allele origin: germline.

NM_138459.5(NUS1):c.236C>T (p.Ala79Val)

Gene: NUS1 (NUS1 dehydrodolichyl diphosphate synthase subunit; plus strand). Cytogenetic location: 6q22.1.
Variant type: single nucleotide variant.
Coding change: c.236C>T on transcript NM_138459.5 (MANE Select); coding-DNA position 236, C replaced by T.
Protein change: p.Ala79Val; replaces alanine 79 with valine.
Molecular consequence: missense variant.
Genome position (GRCh38, 1-based): chr6:117,675,906, C>T. VCF-style: chr6-117675906-C-T. GRCh37 (hg19) VCF-style: chr6-117997069-C-T.
Other names: c.236C>T (NM_138459.3); short protein forms A79V.
Identifiers: ClinVar variation 2896247 (VCV002896247.4), dbSNP rs1202740714, ClinGen allele CA365536180.